The following is an entry in ClinVar:

NM_003331.5(TYK2):c.3070C>A (p.Leu1024Ile)

Gene: TYK2 (tyrosine kinase 2; minus strand). Cytogenetic location: 19p13.2.
Variant type: single nucleotide variant.
Coding change: c.3070C>A on transcript NM_003331.5 (MANE Select); coding-DNA position 3070, C replaced by A.
Protein change: p.Leu1024Ile; replaces leucine 1024 with isoleucine.
Molecular consequence: missense variant.
Genome position (GRCh38, 1-based): chr19:10,353,056, G>T on the plus strand (C>A on the coding strand, the complement: TYK2 is on the minus strand). VCF-style: chr19-10353056-G-T. GRCh37 (hg19) VCF-style: chr19-10463732-G-T.
Other names: c.3070C>A, p.Leu1024Ile (NM_001385197.1, NM_001385198.1); c.2884C>A, p.Leu962Ile (NM_001385199.1); c.3067C>A, p.Leu1023Ile (NM_001385200.1); c.2872C>A, p.Leu958Ile (NM_001385201.1); c.2986C>A, p.Leu996Ile (NM_001385202.1); c.3151C>A, p.Leu1051Ile (NM_001385203.1); c.3280C>A, p.Leu1094Ile (NM_001385204.1); c.2980C>A, p.Leu994Ile (NM_001385205.1); and 3 more; short protein forms L958I, L982I, L996I, L1051I, L1094I, L962I, L1023I, L1024I.
Identifiers: ClinVar variation 1405777 (VCV001405777.9), dbSNP rs566658678, ClinGen allele CA305193476.

ClinVar aggregate classification (germline): Uncertain significance. Review status: criteria provided, multiple submitters, no conflicts (2 of 4 stars). 2 submissions from 2 submitters: Uncertain significance (2). Last evaluated 2025-06-12.

Conditions:
Inborn genetic diseases. Identifiers: MedGen C0950123, MeSH D030342.
Immunodeficiency 35 (IMD35). Also called: TYK2 DEFICIENCY; HIES WITH ATYPICAL MYCOBACTERIOSIS, AUTOSOMAL RECESSIVE; HYPER-IgE SYNDROME WITH ATYPICAL MYCOBACTERIOSIS, AUTOSOMAL RECESSIVE; Susceptibility to infection due to TYK2 deficiency. Identifiers: Orphanet 331226, MedGen C1969086, MONDO:0012682, OMIM 611521.

gnomAD v4.1: 2 of 1,585,784 alleles (0.00013%); highest among the groups gnomAD compares: African/African-American, 0.0013%; no homozygotes.

Submissions (2):

Labcorp Genetics (formerly Invitae), Labcorp
Classification: Uncertain significance for Immunodeficiency 35. Last evaluated: 2025-06-12. Review status: criteria provided, single submitter. Criteria: Invitae Variant Classification Sherloc (09022015). Collection method: clinical testing. Allele origin: germline.
Comment: This sequence change replaces leucine, which is neutral and non-polar, with isoleucine, which is neutral and non-polar, at codon 1024 of the TYK2 protein (p.Leu1024Ile). This variant is not present in population databases (gnomAD no frequency). This variant has not been reported in the literature in individuals affected with TYK2-related conditions. ClinVar contains an entry for this variant (Variation ID: 1405777). Invitae Evidence Modeling of protein sequence and biophysical properties (such as structural, functional, and spatial information, amino acid conservation, physicochemical variation, residue mobility, and thermodynamic stability) indicates that this missense variant is expected to disrupt TYK2 protein function with a positive predictive value of 80%. In summary, the available evidence is currently insufficient to determine the role of this variant in disease. Therefore, it has been classified as a Variant of Uncertain Significance.

Ambry Genetics
Classification: Uncertain significance for Inborn genetic diseases. Last evaluated: 2022-06-24. Review status: criteria provided, single submitter. Criteria: Ambry Variant Classification Scheme 2023. Collection method: clinical testing. Allele origin: germline.